The following is an entry in ClinVar:

NM_002834.5(PTPN11):c.1467C>T (p.Asp489=)

Gene: PTPN11 (protein tyrosine phosphatase non-receptor type 11; plus strand). Cytogenetic location: 12q24.13.
Variant type: single nucleotide variant.
Coding change: c.1467C>T on transcript NM_002834.5 (MANE Select); coding-DNA position 1467, C replaced by T.
Protein change: p.Asp489=; no amino-acid change (aspartic acid 489 retained).
Molecular consequence: synonymous variant.
Genome position (GRCh38, 1-based): chr12:112,489,043, C>T. VCF-style: chr12-112489043-C-T. GRCh37 (hg19) VCF-style: chr12-112926847-C-T.
Other names: c.1479C>T, p.Asp493= (NM_001330437.2); c.1464C>T, p.Asp488= (NM_001374625.1).
Identifiers: ClinVar variation 514537 (VCV000514537.15), dbSNP rs539373294, ClinGen allele CA6798802.

ClinVar aggregate classification (germline): Likely benign. Review status: criteria provided, multiple submitters, no conflicts (2 of 4 stars). 5 submissions from 5 submitters: Likely benign (5). Last evaluated 2026-07-29.

Conditions:
Cardiovascular phenotype. Identifiers: MedGen CN230736.
RASopathy. Also called: rasopathies; Noonan spectrum disorder. Identifiers: Orphanet 536391, MedGen C5555857, MONDO:0021060.

Allele frequency attached by ClinVar (database versions not stated): gnomAD exomes below 0.00001 and 0.00001; ExAC 0.00001; gnomAD 0.00001 and 0.00005; TOPMed 0.00002.
gnomAD v4.1: 30 of 1,613,878 alleles (0.0019%); highest among the groups gnomAD compares: Admixed American, 0.03%; 1 homozygote.

Submissions (5):

Ambry Genetics
Classification: Likely benign for Cardiovascular phenotype. Last evaluated: 2026-07-29. Review status: criteria provided, single submitter. Criteria: Ambry Variant Classification Scheme 2023. Collection method: clinical testing. Allele origin: germline.

Labcorp Genetics (formerly Invitae), Labcorp
Classification: Likely benign for RASopathy. Last evaluated: 2025-12-24. Review status: criteria provided, single submitter. Criteria: Invitae Variant Classification Sherloc (09022015). Collection method: clinical testing. Allele origin: germline.

Women's Health and Genetics/Laboratory Corporation of America, LabCorp
Classification: Likely benign. Last evaluated: 2024-01-01. Review status: criteria provided, single submitter. Criteria: LabCorp Variant Classification Summary - May 2015. Collection method: clinical testing. Allele origin: germline.

Blueprint Genetics
Classification: Likely benign. Last evaluated: 2022-09-28. Review status: criteria provided, single submitter. Criteria: ACMG Guidelines, 2015. Collection method: clinical testing. Allele origin: germline.

GeneDx
Classification: Likely benign. Last evaluated: 2018-01-03. Review status: criteria provided, single submitter. Criteria: GeneDx Variant Classification (06012015). Collection method: clinical testing. Allele origin: germline. Affected: yes.
Comment: This variant is considered likely benign or benign based on one or more of the following criteria: it is a conservative change, it occurs at a poorly conserved position in the protein, it is predicted to be benign by multiple in silico algorithms, and/or has population frequency not consistent with disease.

Literature cited by the submitters: PubMed 15385933 (cited by Women's Health and Genetics/Laboratory Corporation of America, LabCorp); PubMed 14644997 (cited by Women's Health and Genetics/Laboratory Corporation of America, LabCorp); PubMed 25097206 (cited by Women's Health and Genetics/Laboratory Corporation of America, LabCorp); PubMed 19047918 (cited by Women's Health and Genetics/Laboratory Corporation of America, LabCorp); PubMed 17972951 (cited by Women's Health and Genetics/Laboratory Corporation of America, LabCorp); PubMed 15710330 (cited by Women's Health and Genetics/Laboratory Corporation of America, LabCorp); PubMed 25395418 (cited by Women's Health and Genetics/Laboratory Corporation of America, LabCorp); PubMed 27276561 (cited by Women's Health and Genetics/Laboratory Corporation of America, LabCorp); PubMed 32561839 (cited by Women's Health and Genetics/Laboratory Corporation of America, LabCorp); PubMed 27069254 (cited by Women's Health and Genetics/Laboratory Corporation of America, LabCorp).